The following is an entry in ClinVar:

ClinVar aggregate classification (germline): Uncertain significance. Review status: criteria provided, multiple submitters, no conflicts (2 of 4 stars). 5 submissions from 5 submitters: Uncertain significance (5). Last evaluated 2025-06-11.

Conditions:
Mismatch repair cancer syndrome 3. Identifiers: MedGen C5436807, MONDO:0030841, OMIM 619097.
Endometrial carcinoma. Also called: Endometrial carcinoma, somatic. Identifiers: MedGen C0476089, MONDO:0002447, OMIM 608089, HP:0012114.
Lynch syndrome 5 (LYNCH5). Also called: Colorectal cancer, hereditary nonpolyposis, type 5; Hereditary non-polyposis colorectal cancer, type 5. Identifiers: Orphanet 144, MedGen C1833477, MONDO:0013710, OMIM 614350. Disease mechanism: loss of function.
Lynch syndrome. Identifiers: Orphanet 144, MedGen C4552100, MONDO:0005835. Disease mechanism: loss of function.
Hereditary nonpolyposis colorectal neoplasms. Identifiers: MedGen C0009405, MeSH D003123.
Hereditary cancer-predisposing syndrome. Also called: Hereditary neoplastic syndrome; Tumor predisposition; Hereditary Cancer Syndrome; Neoplastic Syndromes, Hereditary. Identifiers: Orphanet 140162, MedGen C0027672, MeSH D009386, MONDO:0015356.

Allele frequency attached by ClinVar (database versions not stated): gnomAD 0.00001.
gnomAD v4.1: 1 of 1,613,970 alleles (0.000062%); highest among the groups gnomAD compares: African/African-American, 0.0013%; no homozygotes.

Submissions (5):

Ambry Genetics
Classification: Uncertain significance for Hereditary cancer-predisposing syndrome. Last evaluated: 2025-06-11. Review status: criteria provided, single submitter. Criteria: Ambry Variant Classification Scheme 2023. Collection method: clinical testing. Allele origin: germline.
Comment: The p.A942V variant (also known as c.2825C>T), located in coding exon 4 of the MSH6 gene, results from a C to T substitution at nucleotide position 2825. The alanine at codon 942 is replaced by valine, an amino acid with similar properties. This amino acid position is not well conserved in available vertebrate species. In addition, the in silico prediction for this alteration is inconclusive. Based on the available evidence, the clinical significance of this variant remains unclear.

All of Us Research Program, National Institutes of Health
Classification: Uncertain significance for Lynch syndrome. Last evaluated: 2023-12-18. Review status: criteria provided, single submitter. Criteria: ACMG Guidelines, 2015. Collection method: clinical testing. Allele origin: germline. Inheritance: Autosomal dominant inheritance. Observed: 1 variant allele, 1 heterozygote.
Comment: This missense variant replaces alanine with valine at codon 942 of the MSH6 protein. Computational prediction suggests that this variant may not impact protein structure and function (internally defined REVEL score threshold <= 0.5, PMID: 27666373). To our knowledge, functional studies have not been reported for this variant. This variant has not been reported in individuals affected with MSH6-related disorders in the literature. This variant has not been identified in the general population by the Genome Aggregation Database (gnomAD). The available evidence is insufficient to determine the role of this variant in disease conclusively. Therefore, this variant is classified as a Variant of Uncertain Significance.

This study involves interpretation of variants in research participants for the purpose of population health screening. Participant phenotype was not available at the time of variant classification. Additional details can be found in publication PMID: 35346344, PMCID: PMC8962531

Color Diagnostics, LLC DBA Color Health
Classification: Uncertain significance for Hereditary cancer-predisposing syndrome. Last evaluated: 2023-12-05. Review status: criteria provided, single submitter. Criteria: ACMG Guidelines, 2015. Collection method: clinical testing. Allele origin: germline.
Comment: This missense variant replaces alanine with valine at codon 942 of the MSH6 protein. Computational prediction suggests that this variant may not impact protein structure and function (internally defined REVEL score threshold <= 0.5, PMID: 27666373). To our knowledge, functional studies have not been reported for this variant. This variant has not been reported in individuals affected with MSH6-related disorders in the literature. This variant has not been identified in the general population by the Genome Aggregation Database (gnomAD). The available evidence is insufficient to determine the role of this variant in disease conclusively. Therefore, this variant is classified as a Variant of Uncertain Significance.

Labcorp Genetics (formerly Invitae), Labcorp
Classification: Uncertain significance for Hereditary nonpolyposis colorectal neoplasms. Last evaluated: 2023-11-24. Review status: criteria provided, single submitter. Criteria: Invitae Variant Classification Sherloc (09022015). Collection method: clinical testing. Allele origin: germline.
Comment: This sequence change replaces alanine, which is neutral and non-polar, with valine, which is neutral and non-polar, at codon 942 of the MSH6 protein (p.Ala942Val). This variant is not present in population databases (gnomAD no frequency). This variant has not been reported in the literature in individuals affected with MSH6-related conditions. ClinVar contains an entry for this variant (Variation ID: 491919). Advanced modeling of protein sequence and biophysical properties (such as structural, functional, and spatial information, amino acid conservation, physicochemical variation, residue mobility, and thermodynamic stability) performed at Invitae indicates that this missense variant is not expected to disrupt MSH6 protein function with a negative predictive value of 95%. In summary, the available evidence is currently insufficient to determine the role of this variant in disease. Therefore, it has been classified as a Variant of Uncertain Significance.

Department of Pathology and Laboratory Medicine, Sinai Health System
Classification: Uncertain significance for Endometrial carcinoma; Lynch syndrome 5; Mismatch repair cancer syndrome 3. Last evaluated: 2023-02-14. Review status: criteria provided, single submitter. Criteria: ACMG Guidelines, 2015. Collection method: clinical testing. Allele origin: germline. Affected: no.

NM_000179.3(MSH6):c.2825C>T (p.Ala942Val)

Gene: MSH6 (mutS homolog 6; plus strand). Cytogenetic location: 2p16.3.
Variant type: single nucleotide variant.
Coding change: c.2825C>T on transcript NM_000179.3 (MANE Select); coding-DNA position 2825, C replaced by T.
Protein change: p.Ala942Val; replaces alanine 942 with valine.
Molecular consequence: missense variant.
Genome position (GRCh38, 1-based): chr2:47,800,808, C>T. VCF-style: chr2-47800808-C-T. GRCh37 (hg19) VCF-style: chr2-48027947-C-T.
Other names: c.2435C>T, p.Ala812Val (NM_001281492.2); c.1919C>T, p.Ala640Val (NM_001281493.2, NM_001281494.2); short protein forms A942V, A640V, A812V.
Identifiers: ClinVar variation 491919 (VCV000491919.12), dbSNP rs760406178, ClinGen allele CA346755692.
Genomic context (GRCh38, chr2:47,800,808, plus strand): 5'-GAAAGACTGGACTTATTACTCCCAAAGCAGGCTTTGACTCTGATTATGACCAAGCTCTTG[C>T]TGACATAAGAGAAAATGAACAGAGCCTCCTGGAATACCTAGAGAAACAGCGCAACAGAAT-3'
Protein context (NP_000170.1, residues 932-952): GFDSDYDQAL[Ala942Val]DIRENEQSLL